The following is an entry in ClinVar:

ClinVar aggregate classification (germline): Uncertain significance (1 of 4 stars; one submission).

Allele frequency attached by ClinVar (database versions not stated): gnomAD exomes below 0.00001; gnomAD 0.00004; TOPMed 0.00005.
gnomAD v4.1: 9 of 1,208,508 alleles (0.00074%); highest among the groups gnomAD compares: African/African-American, 0.01%; no homozygotes.

Submission:

Labcorp Genetics (formerly Invitae), Labcorp
Classification: Uncertain significance. Last evaluated: 2024-05-06. Review status: criteria provided, single submitter. Criteria: Invitae Variant Classification Sherloc (09022015). Collection method: clinical testing. Allele origin: germline.
Comment: This sequence change affects codon 144 of the RBM10 mRNA. It is a 'silent' change, meaning that it does not change the encoded amino acid sequence of the RBM10 protein. It affects a nucleotide within the consensus splice site. The frequency data for this variant in the population databases is considered unreliable, as metrics indicate poor data quality at this position in the gnomAD database. This variant has not been reported in the literature in individuals affected with RBM10-related conditions. Algorithms developed to predict the effect of sequence changes on RNA splicing suggest that this variant is not likely to affect RNA splicing. In summary, the available evidence is currently insufficient to determine the role of this variant in disease. Therefore, it has been classified as a Variant of Uncertain Significance.

NM_005676.5(RBM10):c.432C>T (p.Asp144=)

Gene: RBM10 (RNA binding motif protein 10; plus strand). Cytogenetic location: Xp11.3.
Variant type: single nucleotide variant.
Coding change: c.432C>T on transcript NM_005676.5 (MANE Select); coding-DNA position 432, C replaced by T.
Protein change: p.Asp144=; no amino-acid change (aspartic acid 144 retained).
Molecular consequence: synonymous variant. On other transcripts: intron variant (2).
Genome position (GRCh38, 1-based): chrX:47,171,258, C>T. VCF-style: chrX-47171258-C-T. GRCh37 (hg19) VCF-style: chrX-47030657-C-T.
Other names: c.432C>T, p.Asp144= (NM_001204467.2); c.627C>T, p.Asp209= (NM_001204468.2); c.201+1760C>T (NM_001204466.2, NM_152856.3).
Identifiers: ClinVar variation 2888277 (VCV002888277.3), dbSNP rs1038202360, ClinGen allele CA329044195.
Genomic context (GRCh38, chrX:47,171,258, plus strand): 5'-GGAGAAGGCCAGTAACATCGTCATGCTGAGGATGCTGCCACAGGCAGCCACTGAGGATGA[C>T]GTACGTGCCCCCCATGGCCCCGGGCAGGAGGCCAGGCTGGGTCTCCTCCAGGGCCCTCAA-3'
Protein context (NP_005667.2, residues 134-154): RMLPQAATED[Asp144=]IRGQLQSHGV